The following is an entry in ClinVar:

ClinVar aggregate classification (germline): Conflicting classifications of pathogenicity. Review status: criteria provided, conflicting classifications (1 of 4 stars). 2 submissions from 2 submitters: Uncertain significance (1); Likely benign (1). Last evaluated 2024-11-04.

Conditions:
Cardiovascular phenotype. Identifiers: MedGen CN230736.
Alstrom syndrome (ALMS). Identifiers: Orphanet 64, MedGen C0268425, MONDO:0008763, OMIM 203800.

Allele frequency attached by ClinVar (database versions not stated): gnomAD exomes below 0.00001; ExAC 0.00001; gnomAD 0.00001.
gnomAD v4.1: 5 of 1,613,958 alleles (0.00031%); highest among the groups gnomAD compares: Middle Eastern, 0.016%; no homozygotes.

Submissions (2):

Labcorp Genetics (formerly Invitae), Labcorp
Classification: Uncertain significance for Alstrom syndrome. Last evaluated: 2024-11-04. Review status: criteria provided, single submitter. Criteria: Invitae Variant Classification Sherloc (09022015). Collection method: clinical testing. Allele origin: germline.
Comment: This sequence change affects codon 3405 of the ALMS1 mRNA. It is a 'silent' change, meaning that it does not change the encoded amino acid sequence of the ALMS1 protein. It affects a nucleotide within the consensus splice site. The frequency data for this variant in the population databases is considered unreliable, as metrics indicate poor data quality at this position in the gnomAD database. This variant has not been reported in the literature in individuals affected with ALMS1-related conditions. ClinVar contains an entry for this variant (Variation ID: 1428696). Algorithms developed to predict the effect of sequence changes on RNA splicing suggest that this variant may disrupt the consensus splice site. In summary, the available evidence is currently insufficient to determine the role of this variant in disease. Therefore, it has been classified as a Variant of Uncertain Significance.

Ambry Genetics
Classification: Likely benign for Cardiovascular phenotype. Last evaluated: 2020-11-02. Review status: criteria provided, single submitter. Criteria: Ambry Variant Classification Scheme 2023. Collection method: clinical testing. Allele origin: germline.

NM_001378454.1(ALMS1):c.10212A>G (p.Ala3404=)

Gene: ALMS1 (ALMS1 centrosome and basal body associated protein; plus strand). Cytogenetic location: 2p13.1.
Variant type: single nucleotide variant.
Coding change: c.10212A>G on transcript NM_001378454.1 (MANE Select); coding-DNA position 10212, A replaced by G.
Protein change: p.Ala3404=; no amino-acid change (alanine 3404 retained).
Molecular consequence: synonymous variant.
Genome position (GRCh38, 1-based): chr2:73,557,353, A>G. VCF-style: chr2-73557353-A-G. GRCh37 (hg19) VCF-style: chr2-73784480-A-G.
Other names: c.10215A>G, p.Ala3405= (NM_015120.4).
Identifiers: ClinVar variation 1428696 (VCV001428696.7), dbSNP rs755401614, ClinGen allele CA1714912.
Genomic context (GRCh38, chr2:73,557,353, plus strand): 5'-AAGGGCAGTGACTGAGGCTGCCCAGGCTAAAGAAAAAGAATCTTTGCAGAAAGATACTGC[A>G]GGTAGCTAAACTGGATTGTCTGCGTATTATTTTCTTCTGGTCTTCTAAAATGAGACTATT-3'
Protein context (NP_001365383.1, residues 3394-3414): KEKESLQKDT[Ala3404=]DSSAAAAAEH